The following is an entry in ClinVar:

ClinVar aggregate classification (germline): Uncertain significance. Review status: criteria provided, multiple submitters, no conflicts (2 of 4 stars). 3 submissions from 3 submitters: Uncertain significance (2). 1 of the submissions does not count toward it. Last evaluated 2024-06-04.

Conditions:
Autosomal dominant osteopetrosis 1 (OPTA1). Also called: OSTEOPETROSIS, AUTOSOMAL DOMINANT, TYPE I. Identifiers: Orphanet 2783, MedGen C1843330, MONDO:0011877, OMIM 607634.
Bone mineral density quantitative trait locus 1 (BMND1). Identifiers: MedGen C1866079, OMIM 601884.
Worth disease. Also called: ENDOSTEAL HYPEROSTOSIS, AUTOSOMAL DOMINANT; OSTEOSCLEROSIS, AUTOSOMAL DOMINANT; Autosomal dominant osteosclerosis, Worth type. Identifiers: Orphanet 2790, MedGen C0432273, MONDO:0007764, OMIM 144750.
Osteoporosis with pseudoglioma (OPPG). Also called: osteoporosis-pseudoglioma syndrome. Identifiers: Orphanet 2788, MedGen C0432252, MONDO:0009820, OMIM 259770.
Polycystic liver disease 4 with or without kidney cysts. Identifiers: MedGen C4693479, MONDO:0044327, OMIM 617875.
Exudative vitreoretinopathy 4 (EVR4). Identifiers: Orphanet 891, MedGen C1866176, MONDO:0011151, OMIM 601813.
LRP5-related disorder. Also called: LRP5-related condition.

Submissions (3):

Fulgent Genetics
Classification: Uncertain significance for Worth disease; Osteoporosis with pseudoglioma; Exudative vitreoretinopathy 4; Bone mineral density quantitative trait locus 1; Autosomal dominant osteopetrosis 1; Polycystic liver disease 4 with or without kidney cysts. Last evaluated: 2024-06-04. Review status: criteria provided, single submitter. Criteria: ACMG Guidelines, 2015. Collection method: clinical testing. Allele origin: germline.

Labcorp Genetics (formerly Invitae), Labcorp
Classification: Uncertain significance. Last evaluated: 2022-12-06. Review status: criteria provided, single submitter. Criteria: Invitae Variant Classification Sherloc (09022015). Collection method: clinical testing. Allele origin: germline.
Comment: This variant, c.54_55insTTG, results in the insertion of 1 amino acid(s) of the LRP5 protein (p.Leu20dup), but otherwise preserves the integrity of the reading frame. In summary, the available evidence is currently insufficient to determine the role of this variant in disease. Therefore, it has been classified as a Variant of Uncertain Significance. Experimental studies and prediction algorithms are not available or were not evaluated, and the functional significance of this variant is currently unknown. This variant has not been reported in the literature in individuals affected with LRP5-related conditions. The frequency data for this variant in the population databases is considered unreliable, as metrics indicate poor data quality at this position in the gnomAD database.

PreventionGenetics, part of Exact Sciences
Classification: Likely benign for LRP5-related condition. Last evaluated: 2022-12-20. Review status: no assertion criteria provided. Collection method: clinical testing. Allele origin: germline. Not counted in ClinVar's aggregate classification.
Comment: This variant is classified as likely benign based on ACMG/AMP sequence variant interpretation guidelines (Richards et al. 2015 PMID: 25741868, with internal and published modifications).

NM_002335.4(LRP5):c.54_55insTTG (p.Leu20_Ala21insLeu)

Gene: LRP5 (LDL receptor related protein 5; plus strand). Cytogenetic location: 11q13.2.
Variant type: Insertion.
Coding change: c.54_55insTTG on transcript NM_002335.4 (MANE Select); coding-DNA positions 54 to 55, TTG inserted.
Protein change: p.Leu20_Ala21insLeu.
Molecular consequence: inframe insertion. On other transcripts: 5 prime UTR variant (1).
Genome position: GRCh38 VCF-style: chr11-68312766-C-CTGT. GRCh37 (hg19) VCF-style: chr11-68080234-C-CTGT.
Other names: c.54_55insTTG (NM_002335.3); c.-1712_-1711insTTG (NM_001291902.2).
Identifiers: ClinVar variation 1922692 (VCV001922692.8), dbSNP rs1307165520, ClinGen allele CA599944894.
Genomic context (GRCh38, chr11:68,312,766, plus strand): 5'-CCGGACAACATGGAGGCAGCGCCGCCCGGGCCGCCGTGGCCGCTGCTGCTGCTGCTGCTG[C>CTGT]TGCTGCTGGCGCTGTGCGGCTGCCCGGCCCCCGCCGCGGGTAGGTGGGCGCAGGCCGGCC-3'